The following is an entry in ClinVar:

NM_024426.6(WT1):c.1516C>T (p.Arg506Cys)

Gene: WT1 (WT1 transcription factor; minus strand). Cytogenetic location: 11p13.
Variant type: single nucleotide variant.
Coding change: c.1516C>T on transcript NM_024426.6 (MANE Select); coding-DNA position 1516, C replaced by T.
Protein change: p.Arg506Cys; replaces arginine 506 with cysteine.
Molecular consequence: missense variant. On other transcripts: non-coding transcript variant (1).
Genome position (GRCh38, 1-based): chr11:32,389,111, G>A on the plus strand (C>T on the coding strand, the complement: WT1 is on the minus strand). VCF-style: chr11-32389111-G-A. GRCh37 (hg19) VCF-style: chr11-32410657-G-A.
Other names: c.1456C>T, p.Arg486Cys (NM_000378.6); c.856C>T, p.Arg286Cys (NM_001198551.2); c.814C>T, p.Arg272Cys (NM_001198552.2); c.328C>T, p.Arg110Cys (NM_001367854.1); c.1501C>T, p.Arg501Cys (NM_001407044.1); c.1465C>T, p.Arg489Cys (NM_001407045.1); c.1423C>T, p.Arg475Cys (NM_001407046.1); c.1384C>T, p.Arg462Cys (NM_001407047.1); and 6 more; short protein forms R272C, R475C, R503C, R110C, R462C, R252C, R448C, R486C.
Identifiers: ClinVar variation 2169912 (VCV002169912.4), dbSNP rs1851744421, ClinGen allele CA379957585.
Genomic context (GRCh38, chr11:32,389,111, plus strand): 5'-AGACCCCTCAAAGCGCCAGCTGGAGTTTGGTCATGTTTCTCTGATGCATGTTGTGATGGC[G>A]GACTAATTCATCTGACCGGGCAAACTTTTTCTGACAACTTGGCCACCGACAGCTGAAGGG-3'
Protein context (NP_077744.4, residues 496-516): KKFARSDELV[Arg506Cys]HHNMHQRNMT

ClinVar aggregate classification (germline): Uncertain significance (1 of 4 stars; one submission).

Conditions:
Frasier syndrome. Identifiers: Orphanet 347, MedGen C0950122, MeSH D052159, MONDO:0007635, OMIM 136680.
Wilms tumor 1 (WT1). Also called: Wilms tumor, somatic. Identifiers: Orphanet 654, MedGen CN033288, MONDO:0008679, OMIM 194070.
11p partial monosomy syndrome (WAGR). Also called: CHROMOSOME 11p13 DELETION SYNDROME; WAGR Spectrum Disorder; WAGR syndrome; WAGR Complex. Identifiers: Orphanet 893, MedGen C0206115, MONDO:0008681, OMIM 194072.
Drash syndrome (DDS). Also called: WILMS TUMOR AND PSEUDO- OR TRUE HERMAPHRODITISM; NEPHROPATHY, WILMS TUMOR, AND GENITAL ANOMALIES. Identifiers: Orphanet 220, MedGen C0950121, MONDO:0008682, OMIM 194080.

Allele frequency attached by ClinVar (database versions not stated): gnomAD exomes below 0.00001.
gnomAD v4.1: 1 of 1,614,206 alleles (0.000062%); highest among the groups gnomAD compares: Non-Finnish European, 0.000085%; no homozygotes.

Submission:

Labcorp Genetics (formerly Invitae), Labcorp
Classification: Uncertain significance for Wilms tumor 1; Drash syndrome; 11p partial monosomy syndrome; Frasier syndrome. Last evaluated: 2022-07-19. Review status: criteria provided, single submitter. Criteria: Invitae Variant Classification Sherloc (09022015). Collection method: clinical testing. Allele origin: germline.
Comment: In summary, the available evidence is currently insufficient to determine the role of this variant in disease. Therefore, it has been classified as a Variant of Uncertain Significance. This variant has not been reported in the literature in individuals affected with WT1-related conditions. Algorithms developed to predict the effect of missense changes on protein structure and function (SIFT, PolyPhen-2, Align-GVGD) all suggest that this variant is likely to be disruptive. This sequence change replaces arginine, which is basic and polar, with cysteine, which is neutral and slightly polar, at codon 501 of the WT1 protein (p.Arg501Cys). This variant is not present in population databases (gnomAD no frequency).